The following is an entry in ClinVar:

NM_020975.6(RET):c.1451T>C (p.Met484Thr)

Gene: RET (ret proto-oncogene; plus strand). Cytogenetic location: 10q11.21.
Variant type: single nucleotide variant.
Coding change: c.1451T>C on transcript NM_020975.6 (MANE Select); coding-DNA position 1451, T replaced by C.
Protein change: p.Met484Thr; replaces methionine 484 with threonine.
Molecular consequence: missense variant.
Genome position (GRCh38, 1-based): chr10:43,111,394, T>C. VCF-style: chr10-43111394-T-C. GRCh37 (hg19) VCF-style: chr10-43606842-T-C.
Other names: c.1451T>C, p.Met484Thr (NM_001406759.1, NM_001406760.1, NM_001406743.1 and 6 more transcripts); c.689T>C, p.Met230Thr (NM_001355216.2); c.1322T>C, p.Met441Thr (NM_001406761.1, NM_001406762.1, NM_001406764.1 and 1 more transcripts); c.1163T>C, p.Met388Thr (NM_001406766.1, NM_001406767.1, NM_001406770.1); c.1055T>C, p.Met352Thr (NM_001406769.1, NM_001406772.1); c.1013T>C, p.Met338Thr (NM_001406771.1, NM_001406773.1); c.926T>C, p.Met309Thr (NM_001406774.1); c.725T>C, p.Met242Thr (NM_001406775.1, NM_001406776.1, NM_001406777.1 and 1 more transcripts); and 1 more; short protein forms M154T, M230T, M242T, M484T, M309T, M388T, M441T, M338T.
Identifiers: ClinVar variation 1772967 (VCV001772967.5), dbSNP rs763617146, ClinGen allele CA033724.

ClinVar aggregate classification (germline): Conflicting classifications of pathogenicity. Review status: criteria provided, conflicting classifications (1 of 4 stars). 2 submissions from 2 submitters: Uncertain significance (1); Likely benign (1). Last evaluated 2023-01-22.

Conditions:
Hereditary cancer-predisposing syndrome. Also called: Hereditary Cancer Syndrome; Hereditary neoplastic syndrome; Neoplastic Syndromes, Hereditary; Tumor predisposition. Identifiers: Orphanet 140162, MedGen C0027672, MeSH D009386, MONDO:0015356.
Multiple endocrine neoplasia, type 2 (MEN2). Identifiers: Orphanet 653, MedGen C4048306, MONDO:0019003. Disease mechanism: gain of function.

Allele frequency attached by ClinVar (database versions not stated): gnomAD exomes below 0.00001; ExAC 0.00001.
gnomAD v4.1: 1 of 1,612,810 alleles (0.000062%); highest among the groups gnomAD compares: Non-Finnish European, 0.000085%; no homozygotes.

Submissions (2):

Labcorp Genetics (formerly Invitae), Labcorp
Classification: Uncertain significance for Multiple endocrine neoplasia, type 2. Last evaluated: 2023-01-22. Review status: criteria provided, single submitter. Criteria: Invitae Variant Classification Sherloc (09022015). Collection method: clinical testing. Allele origin: germline.
Comment: ClinVar contains an entry for this variant (Variation ID: 1772967). This variant has not been reported in the literature in individuals affected with RET-related conditions. This variant is present in population databases (rs763617146, gnomAD 0.0009%). This sequence change replaces methionine, which is neutral and non-polar, with threonine, which is neutral and polar, at codon 484 of the RET protein (p.Met484Thr). Algorithms developed to predict the effect of missense changes on protein structure and function output the following: SIFT: "Tolerated"; PolyPhen-2: "Benign"; Align-GVGD: "Class C0". The threonine amino acid residue is found in multiple mammalian species, which suggests that this missense change does not adversely affect protein function. In summary, the available evidence is currently insufficient to determine the role of this variant in disease. Therefore, it has been classified as a Variant of Uncertain Significance.

Ambry Genetics
Classification: Likely benign for Hereditary cancer-predisposing syndrome. Last evaluated: 2021-08-25. Review status: criteria provided, single submitter. Criteria: Ambry Variant Classification Scheme 2023. Collection method: clinical testing. Allele origin: germline.